The following is an entry in ClinVar:

NM_001024630.4(RUNX2):c.261_263dup (p.Ala89_Val90insAla)

Genes: RUNX2 (RUNX family transcription factor 2; plus strand), LOC109611589 (runt related transcription factor 2 polyalanine expansion region; plus strand). Cytogenetic location: 6p21.1.
Variant type: Duplication.
Coding change: c.261_263dup on transcript NM_001024630.4 (MANE Select); coding-DNA positions 261 to 263, 3 bases duplicated (AGC; older notation c.261_263dupAGC).
Protein change: p.Ala89_Val90insAla.
Molecular consequence: inframe insertion. On other transcripts: inframe indel (1).
Genome position (GRCh38, 1-based): chr6:45,422,795-45,422,797, AGC duplicated; duplicating any 3 consecutive bases within chr6:45,422,793-45,422,797 gives the same sequence; the c. name uses the placement nearest the transcript's 3' end. VCF-style (leftmost placement, unchanged base first): chr6-45422792-G-GGCA. GRCh37 (hg19) VCF-style: chr6-45390529-G-GGCA.
Other names: c.219_221dup, p.Ala75_Val76insAla (NM_001369405.1, NM_004348.3, NM_001278478.2); c.261_263dup, p.Ala89_Val90insAla (NM_001015051.4).
Identifiers: ClinVar variation 2963644 (VCV002963644.3), dbSNP rs1479038878, ClinGen allele CA567156260.
Genomic context (GRCh38, chr6:45,422,792, plus strand): 5'-GCAGCAGCAGCAGCAGGAGGCGGCGGCGGCGGCTGCGGCGGCGGCGGCGGCTGCGGCGGC[G>GGCA]GCAGCTGCAGTGCCCCGGTTGCGGCCGCCCCACGACAACCGCACCATGGTGGAGATCATC-3'

ClinVar aggregate classification (germline): Uncertain significance (1 of 4 stars; one submission).

Submission:

Labcorp Genetics (formerly Invitae), Labcorp
Classification: Uncertain significance. Last evaluated: 2023-08-31. Review status: criteria provided, single submitter. Criteria: Invitae Variant Classification Sherloc (09022015). Collection method: clinical testing. Allele origin: germline.
Comment: This variant, c.261_263dup, results in the insertion of 1 amino acid(s) of the RUNX2 protein (p.Ala89dup), but otherwise preserves the integrity of the reading frame. This variant is present in population databases (no rsID available, gnomAD 0.003%). This variant has not been reported in the literature in individuals affected with RUNX2-related conditions. Experimental studies and prediction algorithms are not available or were not evaluated, and the functional significance of this variant is currently unknown. In summary, the available evidence is currently insufficient to determine the role of this variant in disease. Therefore, it has been classified as a Variant of Uncertain Significance.